The following is an entry in ClinVar:

ClinVar aggregate classification (germline): Uncertain significance (1 of 4 stars; one submission).

Conditions:
NPHP1-related disorder. Also called: NPHP1-related condition; NPHP1-related disorders.

Submission:

PreventionGenetics, part of Exact Sciences
Classification: Uncertain significance for NPHP1-related condition. Last evaluated: 2026-01-22. Review status: criteria provided, single submitter. Criteria: ACMG Guidelines, 2015. Collection method: clinical testing. Allele origin: germline.
Comment: The NPHP1 c.644_646delAAG variant is predicted to result in an in-frame deletion (p.Glu215del). To our knowledge, this variant has not been reported in the literature or in a large population database (gnomAD), indicating this variant is rare. At this time, the clinical significance of this variant is uncertain due to the absence of conclusive functional and genetic evidence.

NM_001128178.3(NPHP1):c.635AAG[3] (p.Glu215del)

Gene: NPHP1 (nephrocystin 1; minus strand). Cytogenetic location: 2q13.
Variant type: Microsatellite.
Coding change: c.635AAG[3] on transcript NM_001128178.3 (MANE Select); three copies in a row of the 3-base unit AAG starting at c.635; the reference has four copies in a row; one copy, 3 bases deleted.
Protein change: p.Glu215del; deletes glutamic acid 215.
Molecular consequence: inframe deletion.
Genome position (GRCh38, 1-based): chr2:110,165,134-110,165,136, CTT deleted on the plus strand (AAG on the coding strand, the reverse complement: NPHP1 is on the minus strand); deleting any 3 consecutive bases within chr2:110,165,134-110,165,146 gives the same sequence; the position shown is the placement nearest the transcript's 3' end. VCF-style (leftmost placement, unchanged base first): chr2-110165133-CCTT-C. GRCh37 (hg19) VCF-style: chr2-110922710-CCTT-C.
Other names: c.635AAG[3], p.Glu215del (NM_000272.5, NM_001374256.1, NM_001374257.1 and 1 more transcripts); c.449AAG[3], p.Glu153del (NM_001128179.3); short protein forms E153del, E215del.
Identifiers: ClinVar variation 4979201 (VCV004979201.1).